The following is an entry in ClinVar:

ClinVar aggregate classification (germline): Conflicting classifications of pathogenicity. Review status: criteria provided, conflicting classifications (1 of 4 stars). 14 submissions from 14 submitters: Uncertain significance (4); Likely benign (6). 4 of the submissions do not count toward it. Last evaluated 2026-09-01.

Conditions:
Primary ciliary dyskinesia. Also called: Ciliary dyskinesia. Identifiers: Orphanet 244, MedGen C0008780, MONDO:0016575, HP:0012265.
Primary ciliary dyskinesia 3. Identifiers: Orphanet 244, MedGen C1837618, MONDO:0012085, OMIM 608644.

Allele frequency attached by ClinVar (database versions not stated): 1000 Genomes Project 0.00040; 1000 Genomes Project 30x 0.00047; TOPMed 0.00129; gnomAD 0.00142 and 0.00146; gnomAD exomes 0.00157 and 0.00216; ExAC 0.00176; ESP Exome Variant Server 0.00192.
gnomAD v4.1: 3,328 of 1,613,760 alleles (0.21%); highest among the groups gnomAD compares: Non-Finnish European, 0.27%; 9 homozygotes.

Submissions (14):

CeGaT Center for Human Genetics Tuebingen
Classification: Likely benign. Last evaluated: 2026-09-01. Review status: criteria provided, single submitter. Criteria: CeGaT Center For Human Genetics Tuebingen Variant Classification Criteria Version 2. Collection method: clinical testing. Allele origin: germline. Affected: yes. Observed: 9 variant alleles.
Comment: DNAH5: BP4

Labcorp Genetics (formerly Invitae), Labcorp
Classification: Likely benign for Primary ciliary dyskinesia. Last evaluated: 2026-01-28. Review status: criteria provided, single submitter. Criteria: Invitae Variant Classification Sherloc (09022015). Collection method: clinical testing. Allele origin: germline.

GeneDx
Classification: Likely benign. Last evaluated: 2025-11-25. Review status: criteria provided, single submitter. Criteria: GeneDx Variant Classification Process June 2021. Collection method: clinical testing. Allele origin: germline. Affected: yes.
Comment: See Variant Classification Assertion Criteria.

Mayo Clinic Laboratories, Mayo Clinic
Classification: Uncertain significance. Last evaluated: 2025-08-22. Review status: criteria provided, single submitter. Criteria: ACMG Guidelines, 2015. Collection method: clinical testing. Allele origin: germline. Observed: 2 variant alleles.
Comment: BP4, PM3_supporting

Blueprint Genetics
Classification: Likely benign. Last evaluated: 2024-10-30. Review status: criteria provided, single submitter. Criteria: ACMG Guidelines, 2015. Collection method: clinical testing. Allele origin: germline.

Fulgent Genetics
Classification: Uncertain significance for Primary ciliary dyskinesia 3. Last evaluated: 2024-03-21. Review status: criteria provided, single submitter. Criteria: ACMG Guidelines, 2015. Collection method: clinical testing. Allele origin: germline.

Centre of Medical Genetics, University Hospital Muenster
Classification: Likely benign. Last evaluated: 2022-01-25. Review status: criteria provided, single submitter. Criteria: ACMG Guidelines, 2015. Collection method: clinical testing. Allele origin: unknown. Affected: yes. Observed: 1 variant allele, 1 heterozygote.
Comment: ACMG categories: PM1,PM2,BP2,BP6

Ambry Genetics
Classification: Likely benign for Primary ciliary dyskinesia. Last evaluated: 2019-06-13. Review status: criteria provided, single submitter. Criteria: Ambry Variant Classification Scheme 2023. Collection method: clinical testing. Allele origin: germline.

Illumina Laboratory Services, Illumina
Classification: Uncertain significance for Primary ciliary dyskinesia 3. Last evaluated: 2017-04-27. Review status: criteria provided, single submitter. Criteria: ICSL Variant Classification Criteria 13 December 2019. Collection method: clinical testing. Allele origin: germline.
Comment: This variant was observed as part of a predisposition screen in an ostensibly healthy population. A literature search was performed for the gene, cDNA change, and amino acid change (where applicable). Publications were found based on this search. However, the evidence from the literature, in combination with allele frequency data from public databases where available, was not sufficient to rule this variant in or out of causing disease. Therefore, this variant is classified as a variant of unknown significance.

Eurofins Ntd Llc (ga)
Classification: Uncertain significance. Last evaluated: 2015-12-29. Review status: criteria provided, single submitter. Criteria: EGL Classification Definitions 2015. Collection method: clinical testing. Allele origin: germline. Observed: 3 variant alleles, 3 heterozygotes.

Natera, Inc.
Classification: Uncertain significance for Primary ciliary dyskinesia. Last evaluated: 2020-01-11. Review status: no assertion criteria provided. Collection method: clinical testing. Allele origin: germline. Not counted in ClinVar's aggregate classification.

Counsyl
Classification: Uncertain significance for Primary ciliary dyskinesia 3. Last evaluated: 2017-03-06. Review status: no assertion criteria provided. Collection method: clinical testing. Allele origin: unknown. Not counted in ClinVar's aggregate classification.

Clinical Genetics DNA and cytogenetics Diagnostics Lab, Erasmus MC, Erasmus Medical Center
Classification: Uncertain significance. Review status: no assertion criteria provided. Collection method: clinical testing. Allele origin: germline. Affected: yes. Study: VKGL Data-share Consensus. Not counted in ClinVar's aggregate classification.

Diagnostic Laboratory, Department of Genetics, University Medical Center Groningen
Classification: Uncertain significance. Review status: no assertion criteria provided. Collection method: clinical testing. Allele origin: germline. Affected: yes. Study: VKGL Data-share Consensus. Not counted in ClinVar's aggregate classification.

Literature cited by the submitters: PubMed 22416021 (cited by 4 submitters); PubMed 26228299 (cited by Counsyl).

NM_001369.3(DNAH5):c.8845C>G (p.Gln2949Glu)

Gene: DNAH5 (dynein axonemal heavy chain 5; minus strand). Cytogenetic location: 5p15.2.
Variant type: single nucleotide variant.
Coding change: c.8845C>G on transcript NM_001369.3 (MANE Select); coding-DNA position 8845, C replaced by G.
Protein change: p.Gln2949Glu; replaces glutamine 2949 with glutamic acid.
Molecular consequence: missense variant.
Genome position (GRCh38, 1-based): chr5:13,780,935, G>C on the plus strand (C>G on the coding strand, the complement: DNAH5 is on the minus strand). VCF-style: chr5-13780935-G-C. GRCh37 (hg19) VCF-style: chr5-13781044-G-C.
Other names: p.Gln2949Glu; short protein forms Q2949E.
Identifiers: ClinVar variation 281131 (VCV000281131.74), dbSNP rs147688221, ClinGen allele CA3202691.
Genomic context (GRCh38, chr5:13,780,935, plus strand): 5'-CCAACCTCGTCAGGCTCTGCTTTCCTGATCCGCCCACCCCGACCAGGAGGGCATTTCCCT[G>C]AGGAGTACGAATGACACGAGAGATCTGTAATATGGAACAGAAAAAGTATGTATCTTTCAA-3'
Protein context (NP_001360.1, residues 2939-2959): VKISRVIRTP[Gln2949Glu]GNALLVGVGG